The following is an entry in ClinVar:

NM_012318.3(LETM1):c.387C>G (p.Asp129Glu)

Gene: LETM1 (leucine zipper and EF-hand containing transmembrane protein 1; minus strand). Cytogenetic location: 4p16.3.
Variant type: single nucleotide variant.
Coding change: c.387C>G on transcript NM_012318.3 (MANE Select); coding-DNA position 387, C replaced by G.
Protein change: p.Asp129Glu; replaces aspartic acid 129 with glutamic acid.
Molecular consequence: missense variant.
Genome position (GRCh38, 1-based): chr4:1,841,554, G>C on the plus strand (C>G on the coding strand, the complement: LETM1 is on the minus strand). VCF-style: chr4-1841554-G-C. GRCh37 (hg19) VCF-style: chr4-1843281-G-C.
Other names: short protein forms D129E.
Identifiers: ClinVar variation 1968246 (VCV001968246.5), dbSNP rs1251679698, ClinGen allele CA356010057.

ClinVar aggregate classification (germline): Uncertain significance (1 of 4 stars; one submission).

Allele frequency attached by ClinVar (database versions not stated): gnomAD 0.00001; TOPMed 0.00002; gnomAD exomes 0.00003.
gnomAD v4.1: 44 of 1,614,100 alleles (0.0027%); highest among the groups gnomAD compares: Admixed American, 0.005%; no homozygotes.

Submission:

Labcorp Genetics (formerly Invitae), Labcorp
Classification: Uncertain significance. Last evaluated: 2022-12-02. Review status: criteria provided, single submitter. Criteria: Invitae Variant Classification Sherloc (09022015). Collection method: clinical testing. Allele origin: germline.
Comment: In summary, the available evidence is currently insufficient to determine the role of this variant in disease. Therefore, it has been classified as a Variant of Uncertain Significance. This sequence change replaces aspartic acid, which is acidic and polar, with glutamic acid, which is acidic and polar, at codon 129 of the LETM1 protein (p.Asp129Glu). This variant is present in population databases (no rsID available, gnomAD 0.006%). This variant has not been reported in the literature in individuals affected with LETM1-related conditions. Algorithms developed to predict the effect of missense changes on protein structure and function are either unavailable or do not agree on the potential impact of this missense change (SIFT: "Tolerated"; PolyPhen-2: "Probably Damaging"; Align-GVGD: "Class C0").